The following is an entry in ClinVar:

NM_001312673.2(PCYT1A):c.325A>G (p.Ile109Val)

Gene: PCYT1A (phosphate cytidylyltransferase 1A, choline; minus strand). Cytogenetic location: 3q29.
Variant type: single nucleotide variant.
Coding change: c.325A>G on transcript NM_001312673.2 (MANE Select); coding-DNA position 325, A replaced by G.
Protein change: p.Ile109Val; replaces isoleucine 109 with valine.
Molecular consequence: missense variant.
Genome position (GRCh38, 1-based): chr3:196,248,216, T>C on the plus strand (A>G on the coding strand, the complement: PCYT1A is on the minus strand). VCF-style: chr3-196248216-T-C. GRCh37 (hg19) VCF-style: chr3-195975087-T-C.
Other names: c.325A>G, p.Ile109Val (NM_005017.4); short protein forms I109V.
Identifiers: ClinVar variation 956587 (VCV000956587.6), dbSNP rs375791987, ClinGen allele CA2779578.

ClinVar aggregate classification (germline): Uncertain significance. Review status: criteria provided, multiple submitters, no conflicts (2 of 4 stars). 4 submissions from 4 submitters: Uncertain significance (4). Last evaluated 2025-08-30.

Conditions:
Inborn genetic diseases. Identifiers: MedGen C0950123, MeSH D030342.
Spondylometaphyseal dysplasia-cone-rod dystrophy syndrome. Identifiers: Orphanet 85167, MedGen C1837073, MONDO:0012160, OMIM 608940.

Allele frequency attached by ClinVar (database versions not stated): TOPMed 0.00004; ExAC 0.00006; gnomAD 0.00007; gnomAD exomes 0.00007 and 0.00008; ESP Exome Variant Server 0.00008.
gnomAD v4.1: 116 of 1,573,450 alleles (0.0074%); highest among the groups gnomAD compares: Non-Finnish European, 0.0099%; no homozygotes.

Submissions (4):

Ambry Genetics
Classification: Uncertain significance for Inborn genetic diseases. Last evaluated: 2025-08-30. Review status: criteria provided, single submitter. Criteria: Ambry Variant Classification Scheme 2023. Collection method: clinical testing. Allele origin: germline.

Blueprint Genetics
Classification: Uncertain significance. Last evaluated: 2024-11-20. Review status: criteria provided, single submitter. Criteria: ACMG Guidelines, 2015. Collection method: clinical testing. Allele origin: germline.

Labcorp Genetics (formerly Invitae), Labcorp
Classification: Uncertain significance. Last evaluated: 2022-07-12. Review status: criteria provided, single submitter. Criteria: Invitae Variant Classification Sherloc (09022015). Collection method: clinical testing. Allele origin: germline.
Comment: This sequence change replaces isoleucine, which is neutral and non-polar, with valine, which is neutral and non-polar, at codon 109 of the PCYT1A protein (p.Ile109Val). This variant is present in population databases (rs375791987, gnomAD 0.01%). This variant has not been reported in the literature in individuals affected with PCYT1A-related conditions. ClinVar contains an entry for this variant (Variation ID: 956587). Algorithms developed to predict the effect of missense changes on protein structure and function are either unavailable or do not agree on the potential impact of this missense change (SIFT: "Deleterious"; PolyPhen-2: "Possibly Damaging"; Align-GVGD: "Class C0"). In summary, the available evidence is currently insufficient to determine the role of this variant in disease. Therefore, it has been classified as a Variant of Uncertain Significance.

Baylor Genetics
Classification: Uncertain significance for Spondylometaphyseal dysplasia-cone-rod dystrophy syndrome. Last evaluated: 2020-01-30. Review status: criteria provided, single submitter. Criteria: ACMG Guidelines, 2015. Collection method: clinical testing. Allele origin: unknown. Affected: yes.
Comment: This variant was determined to be of uncertain significance according to ACMG Guidelines, 2015 [PMID:25741868].